The following is an entry in ClinVar:

ClinVar aggregate classification (germline): Uncertain significance (1 of 4 stars; one submission).

Allele frequency attached by ClinVar (database versions not stated): gnomAD exomes below 0.00001.
gnomAD v4.1: 2 of 1,613,794 alleles (0.00012%); highest among the groups gnomAD compares: Non-Finnish European, 0.00017%; no homozygotes.

Submission:

Labcorp Genetics (formerly Invitae), Labcorp
Classification: Uncertain significance. Last evaluated: 2023-04-09. Review status: criteria provided, single submitter. Criteria: Invitae Variant Classification Sherloc (09022015). Collection method: clinical testing. Allele origin: germline.
Comment: This variant has not been reported in the literature in individuals affected with TOP2B-related conditions. In summary, the available evidence is currently insufficient to determine the role of this variant in disease. Therefore, it has been classified as a Variant of Uncertain Significance. An algorithm developed to predict the effect of missense changes on protein structure and function (PolyPhen-2) suggests that this variant is likely to be disruptive. This variant is not present in population databases (gnomAD no frequency). This sequence change replaces lysine, which is basic and polar, with isoleucine, which is neutral and non-polar, at codon 1507 of the TOP2B protein (p.Lys1507Ile).

NM_001330700.2(TOP2B):c.4535A>T (p.Lys1512Ile)

Gene: TOP2B (DNA topoisomerase II beta; minus strand). Cytogenetic location: 3p24.2.
Variant type: single nucleotide variant.
Coding change: c.4535A>T on transcript NM_001330700.2 (MANE Select); coding-DNA position 4535, A replaced by T.
Protein change: p.Lys1512Ile; replaces lysine 1512 with isoleucine.
Molecular consequence: missense variant.
Genome position (GRCh38, 1-based): chr3:25,601,180, T>A on the plus strand (A>T on the coding strand, the complement: TOP2B is on the minus strand). VCF-style: chr3-25601180-T-A. GRCh37 (hg19) VCF-style: chr3-25642671-T-A.
Other names: c.4520A>T, p.Lys1507Ile (NM_001068.3); short protein forms K1507I, K1512I.
Identifiers: ClinVar variation 2871238 (VCV002871238.3), dbSNP rs1702083641, ClinGen allele CA351891132.